The following is an entry in ClinVar:

NM_203446.3(SYNJ1):c.*163C>T

Gene: SYNJ1 (synaptojanin 1; minus strand). Cytogenetic location: 21q22.11.
Variant type: single nucleotide variant.
Coding change: c.*163C>T on transcript NM_203446.3 (MANE Select); 163 bases downstream of the stop codon, C replaced by T.
Molecular consequence: 3 prime UTR variant. On other transcripts: missense variant (2).
Genome position (GRCh38, 1-based): chr21:32,631,642, G>A on the plus strand (C>T on the coding strand, the complement: SYNJ1 is on the minus strand). VCF-style: chr21-32631642-G-A. GRCh37 (hg19) VCF-style: chr21-34003952-G-A.
Other names: c.*163C>T (NM_001160302.2); c.3934C>T, p.Pro1312Ser (NM_001160306.2); c.4192C>T, p.Pro1398Ser (NM_003895.4); short protein forms P1398S, P1312S.
Identifiers: ClinVar variation 2928150 (VCV002928150.3), dbSNP rs1184917585, ClinGen allele CA410082776.
Genomic context (GRCh38, chr21:32,631,642, plus strand): 5'-TTGGAGGCATTGTTGGCATGCAACTTACAGAACTCAAAACATTACTTTGCGTTGCAGAAG[G>A]CAACTGAATCAACCTCTTTGGGTCTGGGGTGGGAACAGGTGACGTTTGAACAGATAGCTG-3'

ClinVar aggregate classification (germline): Uncertain significance (1 of 4 stars; one submission).

Conditions:
Early-onset Parkinson disease 20. Also called: PARKINSON DISEASE 20, AUTOSOMAL RECESSIVE EARLY-ONSET. Identifiers: Orphanet 391411, MedGen C3809824, MONDO:0014233, OMIM 615530.
Developmental and epileptic encephalopathy, 53. Also called: Epileptic encephalopathy, early infantile, 53. Identifiers: MedGen C4479313, MONDO:0033362, OMIM 617389.

Allele frequency attached by ClinVar (database versions not stated): gnomAD exomes below 0.00001; TOPMed 0.00001; gnomAD 0.00002.

Submission:

Labcorp Genetics (formerly Invitae), Labcorp
Classification: Uncertain significance for Developmental and epileptic encephalopathy, 53; Early-onset Parkinson disease 20. Last evaluated: 2023-03-20. Review status: criteria provided, single submitter. Criteria: Invitae Variant Classification Sherloc (09022015). Collection method: clinical testing. Allele origin: germline.
Comment: This sequence change replaces proline, which is neutral and non-polar, with serine, which is neutral and polar, at codon 1398 of the SYNJ1 protein (p.Pro1398Ser). This variant is not present in population databases (gnomAD no frequency). This variant has not been reported in the literature in individuals affected with SYNJ1-related conditions. An algorithm developed to predict the effect of missense changes on protein structure and function (PolyPhen-2) suggests that this variant is likely to be tolerated. In summary, the available evidence is currently insufficient to determine the role of this variant in disease. Therefore, it has been classified as a Variant of Uncertain Significance.